The following is an entry in ClinVar:

NM_001267550.2(TTN):c.56949del (p.Arg18984fs)

Genes: TTN-AS1 (TTN antisense RNA 1; plus strand), TTN (titin; minus strand). Cytogenetic location: 2q31.2.
Variant type: Deletion.
Coding change: c.56949del on transcript NM_001267550.2 (MANE Select); coding-DNA position 56949, one base deleted (T; older notation c.56949delT).
Protein change: p.Arg18984fs; shifts the reading frame from arginine 18984.
Molecular consequence: frameshift variant.
Genome position (GRCh38, 1-based): chr2:178,598,761, A deleted on the plus strand (T on the coding strand, the reverse complement: TTN is on the minus strand). VCF-style (leftmost placement, unchanged base first): chr2-178598760-TA-T. GRCh37 (hg19) VCF-style: chr2-179463487-TA-T.
Other names: c.52026del, p.Arg17343fs (NM_001256850.1); c.29754del, p.Arg9919fs (NM_003319.4); c.49245del, p.Arg16416fs (NM_133378.4); c.30129del, p.Arg10044fs (NM_133432.3); c.30330del, p.Arg10111fs (NM_133437.4); short protein forms R18984fs, R10044fs, R10111fs, R16416fs, R17343fs, R9919fs.
Identifiers: ClinVar variation 2949563 (VCV002949563.3), dbSNP rs2469861547, ClinGen allele CA2740096079.

ClinVar aggregate classification (germline): Likely pathogenic (1 of 4 stars; one submission).

Conditions:
Dilated cardiomyopathy 1G (CMD1G). Identifiers: Orphanet 154, MedGen C1858763, MONDO:0011400, OMIM 604145.
Autosomal recessive limb-girdle muscular dystrophy type 2J (LGMDR10). Also called: Limb-girdle muscular dystrophy, type 2J; MUSCULAR DYSTROPHY, LIMB-GIRDLE, AUTOSOMAL RECESSIVE 10. Identifiers: Orphanet 140922, MedGen C1837342, MONDO:0012127, OMIM 608807.

Submission:

Labcorp Genetics (formerly Invitae), Labcorp
Classification: Likely pathogenic for Dilated cardiomyopathy 1G; Autosomal recessive limb-girdle muscular dystrophy type 2J. Last evaluated: 2023-08-04. Review status: criteria provided, single submitter. Criteria: Invitae Variant Classification Sherloc (09022015). Collection method: clinical testing. Allele origin: germline.
Comment: This sequence change creates a premature translational stop signal (p.Arg18984Glufs*14) in the TTN gene. While this is not anticipated to result in nonsense mediated decay, it is expected to create a truncated TTN protein. This variant is not present in population databases (gnomAD no frequency). This variant has not been reported in the literature in individuals affected with TTN-related conditions. This variant is located in the A band of TTN (PMID: 25589632). Truncating variants in this region are significantly overrepresented in patients affected with dilated cardiomyopathy (PMID: 25589632). Truncating variants in this region have also been reported in individuals affected with autosomal recessive centronuclear myopathy (PMID: 23975875). In summary, the currently available evidence indicates that the variant is pathogenic, but additional data are needed to prove that conclusively. Therefore, this variant has been classified as Likely Pathogenic.

Literature cited by the submitters: PubMed 25589632; PubMed 23975875.